The following is an entry in ClinVar:

NM_001148.6(ANK2):c.5017A>G (p.Arg1673Gly)

Gene: ANK2 (ankyrin 2; plus strand). Cytogenetic location: 4q26.
Variant type: single nucleotide variant.
Coding change: c.5017A>G on transcript NM_001148.6 (MANE Select); coding-DNA position 5017, A replaced by G.
Protein change: p.Arg1673Gly; replaces arginine 1673 with glycine.
Molecular consequence: missense variant. On other transcripts: intron variant (68).
Genome position (GRCh38, 1-based): chr4:113,353,635, A>G. VCF-style: chr4-113353635-A-G. GRCh37 (hg19) VCF-style: chr4-114274791-A-G.
Other names: c.4783A>G, p.Arg1595Gly (NM_001386142.1); c.1417A>G, p.Arg473Gly (NM_001386166.1); c.5158A>G, p.Arg1720Gly (NM_001386174.1); c.5134A>G, p.Arg1712Gly (NM_001386175.1); c.4411+3386A>G (NM_001386186.2, NM_001386148.2); c.4213+3386A>G (NM_001354269.3); c.4291+3386A>G (NM_001386187.2); c.4252+3386A>G (NM_001386147.1); and 35 more; short protein forms R1673G, R1595G, R1712G, R1720G, R473G.
Identifiers: ClinVar variation 263620 (VCV000263620.7), dbSNP rs886038862, ClinGen allele CA10587584.

ClinVar aggregate classification (germline): Uncertain significance. Review status: criteria provided, multiple submitters, no conflicts (2 of 4 stars). 2 submissions from 2 submitters: Uncertain significance (2). Last evaluated 2026-01-16.

Conditions:
Long QT syndrome (LQTS). Identifiers: MedGen C0023976, MeSH D008133, MONDO:0002442. Disease mechanism: loss of function. Inheritance: Various modes of inheritance.
Cardiovascular phenotype. Identifiers: MedGen CN230736.

Allele frequency attached by ClinVar (database versions not stated): gnomAD exomes below 0.00001; TOPMed 0.00001.
gnomAD v4.1: 44 of 1,614,058 alleles (0.0027%); highest among the groups gnomAD compares: Non-Finnish European, 0.0035%; no homozygotes.

Submissions (2):

Labcorp Genetics (formerly Invitae), Labcorp
Classification: Uncertain significance for Long QT syndrome. Last evaluated: 2026-01-16. Review status: criteria provided, single submitter. Criteria: Invitae Variant Classification Sherloc (09022015). Collection method: clinical testing. Allele origin: germline.
Comment: This sequence change replaces arginine, which is basic and polar, with glycine, which is neutral and non-polar, at codon 1673 of the ANK2 protein (p.Arg1673Gly). This variant is present in population databases (no rsID available, gnomAD 0.0009%). This variant has not been reported in the literature in individuals affected with ANK2-related conditions. ClinVar contains an entry for this variant (Variation ID: 263620). Invitae Evidence Modeling of protein sequence and biophysical properties (such as structural, functional, and spatial information, amino acid conservation, physicochemical variation, residue mobility, and thermodynamic stability) indicates that this missense variant is not expected to disrupt ANK2 protein function with a negative predictive value of 80%. In summary, the available evidence is currently insufficient to determine the role of this variant in disease. Therefore, it has been classified as a Variant of Uncertain Significance.

Ambry Genetics
Classification: Uncertain significance for Cardiovascular phenotype. Last evaluated: 2013-04-11. Review status: criteria provided, single submitter. Criteria: Ambry Autosomal Dominant and X-Linked criteria (10/2015). Collection method: clinical testing. Allele origin: germline. Observed: 1 variant allele.
Comment: There is insufficient or conflicting evidence for classification of this alteration.